The following is an entry in ClinVar:

NM_006118.4(HAX1):c.316+1G>A

Gene: HAX1 (HCLS1 associated protein X-1; plus strand). Cytogenetic location: 1q21.3.
Variant type: single nucleotide variant.
Coding change: c.316+1G>A on transcript NM_006118.4 (MANE Select); the canonical splice donor site of the intron after coding-DNA position 316, G replaced by A.
Molecular consequence: splice donor variant.
Genome position (GRCh38, 1-based): chr1:154,273,599, G>A. VCF-style: chr1-154273599-G-A. GRCh37 (hg19) VCF-style: chr1-154246075-G-A.
Other names: c.172+1G>A (NM_001018837.2).
Identifiers: ClinVar variation 4071529 (VCV004071529.1).

ClinVar aggregate classification (germline): Likely pathogenic (1 of 4 stars; one submission).

Conditions:
Kostmann syndrome (SCN3). Also called: Autosomal recessive severe congenital neutropenia type 3; KOSTMANN DISEASE. Identifiers: Orphanet 99749, MedGen C5235141, MONDO:0012548, OMIM 610738.

Submission:

Next Generation Genetic Polyclinic
Classification: Likely pathogenic for Kostmann syndrome. Last evaluated: 2025-04-08. Review status: criteria provided, single submitter. Criteria: ACMG Guidelines, 2015. Collection method: clinical testing. Allele origin: germline. Affected: yes. Observed: 1 variant allele.
Comment: A novel splice donor variant in the HAX1 gene (c.316+1G>A) was identified in the homozygous state through clinical testing. This variant alters a conserved canonical splice site, is absent from population databases (PM2), and is predicted to be deleterious by splicing algorithms (PP3). Sanger sequencing confirmed its presence. Given its predicted impact and association with autosomal recessive congenital neutropenia, the variant is classified as Likely Pathogenic under ACMG guidelines (PVS1, PM2, PP3).